The following is an entry in ClinVar:

ClinVar aggregate classification (germline): Uncertain significance (1 of 4 stars; one submission).

Submission:

Women's Health and Genetics/Laboratory Corporation of America, LabCorp
Classification: Uncertain significance. Last evaluated: 2025-06-11. Review status: criteria provided, single submitter. Criteria: LabCorp Variant Classification Summary - May 2015. Collection method: clinical testing. Allele origin: germline.
Comment: Variant summary: KMT2C c.12613A>G (p.Ile4205Val) results in a conservative amino acid change in the encoded protein sequence. Algorithms developed to predict the effect of missense changes on protein structure and function all suggest that this variant is likely to be tolerated. The variant was absent in 251336 control chromosomes. The available data on variant occurrences in the general population are insufficient to allow any conclusion about variant significance. To our knowledge, no occurrence of c.12613A>G in individuals affected with Kleefstra Syndrome 2 and no experimental evidence demonstrating its impact on protein function have been reported. No submitters have cited clinical-significance assessments for this variant to ClinVar. Based on the evidence outlined above, the variant was classified as uncertain significance.

NM_170606.3(KMT2C):c.12613A>G (p.Ile4205Val)

Gene: KMT2C (lysine methyltransferase 2C; minus strand). Cytogenetic location: 7q36.1.
Variant type: single nucleotide variant.
Coding change: c.12613A>G on transcript NM_170606.3 (MANE Select); coding-DNA position 12613, A replaced by G.
Protein change: p.Ile4205Val; replaces isoleucine 4205 with valine.
Molecular consequence: missense variant.
Genome position (GRCh38, 1-based): chr7:152,151,495, T>C on the plus strand (A>G on the coding strand, the complement: KMT2C is on the minus strand). VCF-style: chr7-152151495-T-C. GRCh37 (hg19) VCF-style: chr7-151848580-T-C.
Other names: short protein forms I4205V.
Identifiers: ClinVar variation 3907215 (VCV003907215.1).